The following is an entry in ClinVar:

ClinVar aggregate classification (germline): Likely benign (0 of 4 stars; one submission).

Conditions:
MUC16-related disorder. Also called: MUC16-related condition.

Allele frequency attached by ClinVar (database versions not stated): ExAC 0.00036; ESP Exome Variant Server 0.00106; 1000 Genomes Project 0.00140.

Submission:

PreventionGenetics, part of Exact Sciences
Classification: Likely benign for MUC16-related condition. Last evaluated: 2019-10-28. Review status: no assertion criteria provided. Collection method: clinical testing. Allele origin: germline.
Comment: This variant is classified as likely benign based on ACMG/AMP sequence variant interpretation guidelines (Richards et al. 2015 PMID: 25741868, with internal and published modifications).

NM_001401501.2(MUC16):c.38286G>A (p.Pro12762=)

Gene: MUC16 (mucin 16, cell surface associated; minus strand). Cytogenetic location: 19p13.2.
Variant type: single nucleotide variant.
Coding change: c.38286G>A on transcript NM_001401501.2 (MANE Select); coding-DNA position 38286, G replaced by A.
Protein change: p.Pro12762=; no amino-acid change (proline 12762 retained).
Molecular consequence: synonymous variant.
Genome position (GRCh38, 1-based): chr19:8,905,047, C>T on the plus strand (G>A on the coding strand, the complement: MUC16 is on the minus strand). VCF-style: chr19-8905047-C-T. GRCh37 (hg19) VCF-style: chr19-9015723-C-T.
Other names: c.38712G>A, p.Pro12904= (NM_001414686.1); c.38166G>A, p.Pro12722= (NM_001414687.1); c.38100G>A, p.Pro12700= (NM_024690.2).
Identifiers: ClinVar variation 3045429 (VCV003045429.2), dbSNP rs371329008, ClinGen allele CA9164750.